The following is an entry in ClinVar:

ClinVar aggregate classification (germline): Uncertain significance. Review status: criteria provided, multiple submitters, no conflicts (2 of 4 stars). 2 submissions from 2 submitters: Uncertain significance (2). Last evaluated 2025-03-13.

Conditions:
Cardiovascular phenotype. Identifiers: MedGen CN230736.

Allele frequency attached by ClinVar (database versions not stated): TOPMed below 0.00001; ExAC 0.00001.

Submissions (2):

Ambry Genetics
Classification: Uncertain significance for Cardiovascular phenotype. Last evaluated: 2025-03-13. Review status: criteria provided, single submitter. Criteria: Ambry Variant Classification Scheme 2023. Collection method: clinical testing. Allele origin: germline.
Comment: The p.G718A variant (also known as c.2153G>C) is located in coding exon 17 of the LAMA4 gene. The glycine at codon 718 is replaced by alanine, an amino acid with similar properties. This change occurs in the first base pair of coding exon 17. This amino acid position is conserved. In addition, this alteration is predicted to be tolerated by in silico analysis. Based on the available evidence, the clinical significance of this variant remains unclear.

GeneDx
Classification: Uncertain significance. Last evaluated: 2022-12-20. Review status: criteria provided, single submitter. Criteria: GeneDx Variant Classification Process June 2021. Collection method: clinical testing. Allele origin: germline. Affected: yes.
Comment: Not observed at significant frequency in large population cohorts (gnomAD); In silico analysis is inconclusive as to whether the variant alters gene splicing. In the absence of RNA/functional studies, the actual effect of this sequence change is unknown.; In silico analysis supports that this missense variant does not alter protein structure/function; Has not been previously published as pathogenic or benign to our knowledge

NM_001105206.3(LAMA4):c.2174G>C (p.Gly725Ala)

Gene: LAMA4 (laminin subunit alpha 4; minus strand). Cytogenetic location: 6q21.
Variant type: single nucleotide variant.
Coding change: c.2174G>C on transcript NM_001105206.3 (MANE Select); coding-DNA position 2174, G replaced by C.
Protein change: p.Gly725Ala; replaces glycine 725 with alanine.
Molecular consequence: missense variant.
Genome position (GRCh38, 1-based): chr6:112,148,336, C>G on the plus strand (G>C on the coding strand, the complement: LAMA4 is on the minus strand). VCF-style: chr6-112148336-C-G. GRCh37 (hg19) VCF-style: chr6-112469538-C-G.
Other names: c.2153G>C, p.Gly718Ala (NM_001105207.3, NM_002290.5); short protein forms G718A, G725A.
Identifiers: ClinVar variation 2506808 (VCV002506808.2), dbSNP rs781875980, ClinGen allele CA3965543.